The following is an entry in ClinVar:

ClinVar aggregate classification (germline): Pathogenic (1 of 4 stars; one submission).

Conditions:
Idiopathic Pulmonary Fibrosis. Also called: Idiopathic fibrosing alveolitis, chronic form; idiopathic fibrosing alveolitis. Identifiers: Orphanet 2032, MedGen C1800706, MeSH D054990, MONDO:0800504.
Dyskeratosis congenita, autosomal dominant 2. Identifiers: MedGen C3151443, MONDO:0013521, OMIM 613989.

Submission:

Labcorp Genetics (formerly Invitae), Labcorp
Classification: Pathogenic for Dyskeratosis congenita, autosomal dominant 2; Idiopathic Pulmonary Fibrosis. Last evaluated: 2026-01-25. Review status: criteria provided, single submitter. Criteria: Invitae Variant Classification Sherloc (09022015). Collection method: clinical testing. Allele origin: germline.
Comment: This sequence change creates a premature translational stop signal (p.Ser70Argfs*125) in the TERT gene. It is expected to result in an absent or disrupted protein product. Loss-of-function variants in TERT are known to be pathogenic (PMID: 16247010, 17460043). This variant is not present in population databases (gnomAD no frequency). This variant has not been reported in the literature in individuals affected with TERT-related conditions. For these reasons, this variant has been classified as Pathogenic.

Literature cited by the submitters: PubMed 16247010; PubMed 17460043.

NM_198253.3(TERT):c.198_207dup (p.Ser70fs)

Genes: TERT (telomerase reverse transcriptase; minus strand), LOC110806263 (TERT 5' regulatory region; plus strand). Cytogenetic location: 5p15.33.
Variant type: Duplication.
Coding change: c.198_207dup on transcript NM_198253.3 (MANE Select); coding-DNA positions 198 to 207, 10 bases duplicated (CGCCGCCCCC; older notation c.198_207dupCGCCGCCCCC).
Protein change: p.Ser70fs; shifts the reading frame from serine 70.
Molecular consequence: frameshift variant. On other transcripts: non-coding transcript variant (2).
Genome position (GRCh38, 1-based): chr5:1,294,783-1,294,792, GGGGGCGGCG duplicated on the plus strand (CGCCGCCCCC on the coding strand, the reverse complement: TERT is on the minus strand); duplicating any 10 consecutive bases within chr5:1,294,783-1,294,801 gives the same sequence; the c. name uses the placement nearest the transcript's 3' end. VCF-style (leftmost placement, unchanged base first): chr5-1294782-A-AGGGGGCGGCG. GRCh37 (hg19) VCF-style: chr5-1294897-A-AGGGGGCGGCG.
Other names: c.198_207dup, p.Ser70fs (NM_001193376.3); short protein forms S70fs.
Identifiers: ClinVar variation 4790415 (VCV004790415.1).